The following is an entry in ClinVar:

NM_006269.2(RP1):c.392G>C (p.Arg131Pro)

Gene: RP1 (RP1 axonemal microtubule associated; plus strand). Cytogenetic location: 8q12.1.
Variant type: single nucleotide variant.
Coding change: c.392G>C on transcript NM_006269.2 (MANE Select); coding-DNA position 392, G replaced by C.
Protein change: p.Arg131Pro; replaces arginine 131 with proline.
Molecular consequence: missense variant.
Genome position (GRCh38, 1-based): chr8:54,621,358, G>C. VCF-style: chr8-54621358-G-C. GRCh37 (hg19) VCF-style: chr8-55533918-G-C.
Other names: c.392G>C, p.Arg131Pro (NM_001375654.1); short protein forms R131P.
Identifiers: ClinVar variation 1510809 (VCV001510809.6), dbSNP rs752150870, ClinGen allele CA4751141.

ClinVar aggregate classification (germline): Uncertain significance (1 of 4 stars; one submission).

gnomAD v4.1: 23 of 1,611,730 alleles (0.0014%); highest among the groups gnomAD compares: East Asian, 0.0022%; no homozygotes.

Submission:

Labcorp Genetics (formerly Invitae), Labcorp
Classification: Uncertain significance. Last evaluated: 2022-03-19. Review status: criteria provided, single submitter. Criteria: Invitae Variant Classification Sherloc (09022015). Collection method: clinical testing. Allele origin: germline.
Comment: In summary, the available evidence is currently insufficient to determine the role of this variant in disease. Therefore, it has been classified as a Variant of Uncertain Significance. Algorithms developed to predict the effect of missense changes on protein structure and function output the following: SIFT: "Deleterious"; PolyPhen-2: "Benign"; Align-GVGD: "Class C65". The proline amino acid residue is found in multiple mammalian species, which suggests that this missense change does not adversely affect protein function. This variant has not been reported in the literature in individuals affected with RP1-related conditions. This variant is present in population databases (rs752150870, gnomAD 0.01%). This sequence change replaces arginine, which is basic and polar, with proline, which is neutral and non-polar, at codon 131 of the RP1 protein (p.Arg131Pro).